The following is an entry in ClinVar:

NR_073156.2(HAUS7):n.1088C>T

Gene: HAUS7 (HAUS augmin like complex subunit 7; minus strand). Cytogenetic location: Xq28.
Variant type: single nucleotide variant.
Molecular consequence: non-coding transcript variant (on NR_073156.2).
Genome position: GRCh38 VCF-style: chrX-153457220-G-A. GRCh37 (hg19) VCF-style: chrX-152722678-G-A.
Other names: NM_017518.7:c.393C>T.
Identifiers: ClinVar variation 722282 (VCV000722282.27), dbSNP rs373741337, ClinGen allele CA10546911.

ClinVar aggregate classification (germline): Likely benign. Review status: criteria provided, multiple submitters, no conflicts (2 of 4 stars). 2 submissions from 2 submitters: Likely benign (2). Last evaluated 2022-08-01.

Allele frequency attached by ClinVar (database versions not stated): ESP Exome Variant Server 0.00028; gnomAD exomes 0.00029 and 0.00032; gnomAD 0.00032 and 0.00033; ExAC 0.00037; TOPMed 0.00057.
gnomAD v4.1: 351 of 1,184,154 alleles (0.03%); highest among the groups gnomAD compares: Middle Eastern, 0.26%; no homozygotes.

Submissions (2):

CeGaT Center for Human Genetics Tuebingen
Classification: Likely benign. Last evaluated: 2022-08-01. Review status: criteria provided, single submitter. Criteria: CeGaT Center For Human Genetics Tuebingen Variant Classification Criteria Version 2. Collection method: clinical testing. Allele origin: germline. Affected: yes. Observed: 1 variant allele.
Comment: HAUS7: BP4, BP7

Labcorp Genetics (formerly Invitae), Labcorp
Classification: Likely benign. Last evaluated: 2018-06-20. Review status: criteria provided, single submitter. Criteria: Invitae Variant Classification Sherloc (09022015). Collection method: clinical testing. Allele origin: germline.